The following is an entry in ClinVar:

ClinVar aggregate classification (germline): Benign/Likely benign. Review status: criteria provided, multiple submitters, no conflicts (2 of 4 stars). 4 submissions from 3 submitters: Benign (2); Likely benign (2). Last evaluated 2019-03-17.

Conditions:
DNA ligase IV deficiency. Identifiers: Orphanet 99812, MedGen C1847827, MONDO:0011686, OMIM 606593.
Severe combined immunodeficiency due to DCLRE1C deficiency (RS-SCID). Also called: SCID, AUTOSOMAL RECESSIVE, T CELL-NEGATIVE, B CELL-NEGATIVE, NK CELL-POSITIVE, WITH SENSITIVITY TO IONIZING RADIATION. Identifiers: Orphanet 275, MedGen C1865371, MONDO:0011225, OMIM 602450.

Allele frequency attached by ClinVar (database versions not stated): gnomAD 0.01550 and 0.01584; gnomAD exomes 0.00698; TOPMed 0.01714; 1000 Genomes Project 30x 0.02139; 1000 Genomes Project 0.02276.
gnomAD v4.1: 9,087 of 1,093,214 alleles (0.83%); highest among the groups gnomAD compares: African/African-American, 3.7%; 100 homozygotes.

Submissions (4):

GeneDx
Classification: Likely benign. Last evaluated: 2019-03-17. Review status: criteria provided, single submitter. Criteria: GeneDx Variant Classification Process June 2021. Collection method: clinical testing. Allele origin: germline. Affected: yes.

Illumina Laboratory Services, Illumina
Classification: Benign for Severe combined immunodeficiency due to DCLRE1C deficiency. Last evaluated: 2018-01-13. Review status: criteria provided, single submitter. Criteria: ICSL Variant Classification Criteria 13 December 2019. Collection method: clinical testing. Allele origin: germline.
Comment: This variant was observed in the ICSL laboratory as part of a predisposition screen in an ostensibly healthy population. It had not been previously curated by ICSL or reported in the Human Gene Mutation Database (HGMD: prior to June 1st, 2018), and was therefore a candidate for classification through an automated scoring system. Utilizing variant allele frequency, disease prevalence and penetrance estimates, and inheritance mode, an automated score was calculated to assess if this variant is too frequent to cause the disease. Based on the score and internal cut-off values, a variant classified as benign is not then subjected to further curation. The score for this variant resulted in a classification of benign for this disease.

Illumina Laboratory Services, Illumina
Classification: Benign for DNA ligase IV deficiency. Last evaluated: 2018-01-13. Review status: criteria provided, single submitter. Criteria: ICSL Variant Classification Criteria 13 December 2019. Collection method: clinical testing. Allele origin: germline.
Comment: the same text as in the submission from Illumina Laboratory Services, Illumina above.

Breakthrough Genomics
Classification: Likely benign. Review status: criteria provided, single submitter. Criteria: ACMG Guidelines, 2015. Collection method: not provided. Allele origin: germline. Inheritance: Autosomal recessive inheritance. Affected: yes.

NM_206937.2(LIG4):c.*54G>A

Gene: LIG4 (DNA ligase 4; minus strand). Cytogenetic location: 13q33.3.
Variant type: single nucleotide variant.
Coding change: c.*54G>A on transcript NM_206937.2 (MANE Select); 54 bases downstream of the stop codon, G replaced by A.
Molecular consequence: 3 prime UTR variant.
Genome position (GRCh38, 1-based): chr13:108,208,479, C>T on the plus strand (G>A on the coding strand, the complement: LIG4 is on the minus strand). VCF-style: chr13-108208479-C-T. GRCh37 (hg19) VCF-style: chr13-108860827-C-T.
Other names: c.*54G>A (NM_001098268.2, NM_001330595.2, NM_001352598.2 and 8 more transcripts).
Identifiers: ClinVar variation 310970 (VCV000310970.9), dbSNP rs2232643, ClinGen allele CA10642744.